The following is an entry in ClinVar:

NM_015656.2(KIF26A):c.4354C>T (p.Arg1452Trp)

Gene: KIF26A (kinesin family member 26A; plus strand). Cytogenetic location: 14q32.33.
Variant type: single nucleotide variant.
Coding change: c.4354C>T on transcript NM_015656.2 (MANE Select); coding-DNA position 4354, C replaced by T.
Protein change: p.Arg1452Trp; replaces arginine 1452 with tryptophan.
Molecular consequence: missense variant.
Genome position (GRCh38, 1-based): chr14:104,177,142, C>T. VCF-style: chr14-104177142-C-T. GRCh37 (hg19) VCF-style: chr14-104643479-C-T.
Other names: short protein forms R1452W.
Identifiers: ClinVar variation 3893402 (VCV003893402.1).

ClinVar aggregate classification (germline): Uncertain significance (1 of 4 stars; one submission).

gnomAD v4.1: 16 of 1,597,804 alleles (0.001%); highest among the groups gnomAD compares: East Asian, 0.0045%; no homozygotes.

Submission:

GeneDx
Classification: Uncertain significance. Last evaluated: 2024-10-24. Review status: criteria provided, single submitter. Criteria: GeneDx Variant Classification Process June 2021. Collection method: clinical testing. Allele origin: germline. Affected: yes.
Comment: In silico analysis supports that this missense variant has a deleterious effect on protein structure/function; Has not been previously published as pathogenic or benign to our knowledge